The following is an entry in ClinVar:

NM_001127222.2(CACNA1A):c.6937CAG[15] (p.Gln2324_Gln2325dup)

Genes: CACNA1A (calcium voltage-gated channel subunit alpha1 A; minus strand), LOC108663985 (calcium voltage-gated channel subunit alpha1 A repeat instability region; plus strand). Cytogenetic location: 19p13.13.
Variant type: Microsatellite.
Coding change: c.6937CAG[15] on transcript NM_001127222.2 (MANE Select); 15 copies in a row of the 3-base unit CAG starting at c.6937; the reference has 13 copies in a row; two copies, 6 bases duplicated; also written c.6970_6975dup.
Protein change: p.Gln2324_Gln2325dup.
Molecular consequence: inframe insertion. On other transcripts: 3 prime UTR variant (3).
Genome position (GRCh38, 1-based): chr19:13,207,859-13,207,864, CTGCTG duplicated on the plus strand (CAGCAG on the coding strand, the reverse complement: CACNA1A is on the minus strand); duplicating any 6 consecutive bases within chr19:13,207,859-13,207,898 gives the same sequence; the position shown is the placement nearest the transcript's 3' end. VCF-style (leftmost placement, unchanged base first): chr19-13207858-C-CCTGCTG. GRCh37 (hg19) VCF-style: chr19-13318672-C-CCTGCTG.
Other names: c.6970_6975dup (NM_001127222.2); c.*149CAG[15] (NM_000068.4, NM_001127221.2, NM_001174080.2); c.6955CAG[15], p.Gln2330_Gln2331dup (NM_023035.3).
Identifiers: ClinVar variation 1285153 (VCV001285153.38), dbSNP rs16054, ClinGen allele CA9239229.
Genomic context (GRCh38, chr19:13,207,858, plus strand): 5'-CCGTGGGGCCTGGGTACCTCCGAGGGCCGCTGGTGGCCGCCCGGCCCGGCCTGGCCACCG[C>CCTGCTG]CTGCTGCTGCTGCTGCTGCTGCTGCTGCTGCTGCTGCTGCGGGGGCCCCGAGCCGCCGGC-3'

ClinVar aggregate classification (germline): Benign/Likely benign. Review status: criteria provided, multiple submitters, no conflicts (2 of 4 stars). 6 submissions from 6 submitters: Benign (1); Likely benign (2). 3 of the submissions do not count toward it. Last evaluated 2026-08-01.

Conditions:
Spinocerebellar ataxia type 6 (SCA6). Identifiers: Orphanet 98758, MedGen C0752124, MONDO:0008457, OMIM 183086.
Migraine, familial hemiplegic, 1. Also called: MIGRAINE, FAMILIAL HEMIPLEGIC 1, WITH PROGRESSIVE CEREBELLAR ATAXIA. Identifiers: Orphanet 569, MedGen C1832884, MONDO:0020756, OMIM 141500, MONDO:0007714.
Developmental and epileptic encephalopathy, 42 (DEE42A). Also called: DEVELOPMENTAL AND EPILEPTIC ENCEPHALOPATHY 42A; EPILEPTIC ENCEPHALOPATHY, EARLY INFANTILE, 42A; Epileptic encephalopathy, early infantile, 42. Identifiers: MedGen C4310716, MONDO:0014917, OMIM 617106.
Episodic ataxia type 2 (EA2). Also called: ACETAZOLAMIDE-RESPONSIVE HEREDITARY PAROXYSMAL CEREBELLAR ATAXIA; ATAXIA, EPISODIC, WITH NYSTAGMUS; ATAXIA, FAMILIAL PAROXYSMAL; CEREBELLAR ATAXIA, PAROXYSMAL, ACETAZOLAMIDE-RESPONSIVE; CEREBELLOPATHY, HEREDITARY PAROXYSMAL; EPISODIC ATAXIA, NYSTAGMUS-ASSOCIATED. Identifiers: Orphanet 97, MedGen C1720416, MONDO:0007163, OMIM 108500.

Submissions (6):

CeGaT Center for Human Genetics Tuebingen
Classification: Benign. Last evaluated: 2026-08-01. Review status: criteria provided, single submitter. Criteria: CeGaT Center For Human Genetics Tuebingen Variant Classification Criteria Version 2. Collection method: clinical testing. Allele origin: germline. Affected: yes. Observed: 27 variant alleles.
Comment: CACNA1A: BS1, BS2

Blueprint Genetics
Classification: Likely benign. Last evaluated: 2024-11-28. Review status: criteria provided, single submitter. Criteria: ACMG Guidelines, 2015. Collection method: clinical testing. Allele origin: germline.

Fulgent Genetics
Classification: Likely benign for Episodic ataxia type 2; Migraine, familial hemiplegic, 1; Spinocerebellar ataxia type 6; Developmental and epileptic encephalopathy, 42. Last evaluated: 2021-11-18. Review status: criteria provided, single submitter. Criteria: ACMG Guidelines, 2015. Collection method: clinical testing. Allele origin: unknown.

Diagnostic Laboratory, Department of Genetics, University Medical Center Groningen
Classification: Benign. Review status: no assertion criteria provided. Collection method: clinical testing. Allele origin: germline. Affected: yes. Study: VKGL Data-share Consensus. Not counted in ClinVar's aggregate classification.

Genome Diagnostics Laboratory, University Medical Center Utrecht
Classification: Likely benign. Review status: no assertion criteria provided. Collection method: clinical testing. Allele origin: germline. Affected: yes. Study: VKGL Data-share Consensus. Not counted in ClinVar's aggregate classification.

Laboratory of Diagnostic Genome Analysis, Leiden University Medical Center (LUMC)
Classification: Likely benign. Review status: no assertion criteria provided. Collection method: clinical testing. Allele origin: germline. Affected: yes. Study: VKGL Data-share Consensus. Not counted in ClinVar's aggregate classification.